The following is an entry in ClinVar:

NM_177438.3(DICER1):c.3677A>C (p.Glu1226Ala)

Gene: DICER1 (dicer 1, ribonuclease III; minus strand). Cytogenetic location: 14q32.13.
Variant type: single nucleotide variant.
Coding change: c.3677A>C on transcript NM_177438.3 (MANE Select); coding-DNA position 3677, A replaced by C.
Protein change: p.Glu1226Ala; replaces glutamic acid 1226 with alanine.
Molecular consequence: missense variant.
Genome position (GRCh38, 1-based): chr14:95,103,719, T>G on the plus strand (A>C on the coding strand, the complement: DICER1 is on the minus strand). VCF-style: chr14-95103719-T-G. GRCh37 (hg19) VCF-style: chr14-95570056-T-G.
Other names: c.3677A>C, p.Glu1226Ala (NM_001195573.1, NM_001271282.3, NM_001291628.2 and 1 more transcripts); short protein forms E1226A.
Identifiers: ClinVar variation 479607 (VCV000479607.18), dbSNP rs779062746, ClinGen allele CA7331005.
Genomic context (GRCh38, chr14:95,103,719, plus strand): 5'-TTTCCATCAAGGTATTTATTACTCAGGAGAGTACATTCATCGCTGGGCTGGGGCTGGTTC[T>G]CGTAACTGTATAAATTCTGAATGGAATATGAGGTAGTTGGTTGCACGGGTATTTCCTGCT-3'
Protein context (NP_803187.1, residues 1216-1236): SYSIQNLYSY[Glu1226Ala]NQPQPSDECT

ClinVar aggregate classification (germline): Conflicting classifications of pathogenicity. Review status: criteria provided, conflicting classifications (1 of 4 stars). 4 submissions from 4 submitters: Uncertain significance (3); Likely benign (1). Last evaluated 2026-01-21.

Conditions:
Global developmental delay - lung cysts - overgrowth - Wilms tumor syndrome. Also called: GLOW Syndrome; GLOBAL DEVELOPMENTAL DELAY, LUNG CYSTS, OVERGROWTH, AND WILMS TUMOR. Identifiers: Orphanet 404476, MedGen C4748924, MONDO:0018445, OMIM 618272.
DICER1-related tumor predisposition. Also called: DICER1-related pleuropulmonary blastoma cancer predisposition syndrome; DICER1 syndrome. Identifiers: Orphanet 284343, MedGen C3839822, MONDO:0100216.
Hereditary cancer-predisposing syndrome. Also called: Tumor predisposition; Neoplastic Syndromes, Hereditary; Hereditary Cancer Syndrome; Hereditary neoplastic syndrome. Identifiers: Orphanet 140162, MedGen C0027672, MeSH D009386, MONDO:0015356.

Allele frequency attached by ClinVar (database versions not stated): gnomAD exomes 0.00002; ExAC 0.00003; gnomAD 0.00003; TOPMed 0.00003.
gnomAD v4.1: 40 of 1,614,090 alleles (0.0025%); highest among the groups gnomAD compares: Non-Finnish European, 0.0032%; no homozygotes.

Submissions (4):

Labcorp Genetics (formerly Invitae), Labcorp
Classification: Likely benign for DICER1-related tumor predisposition. Last evaluated: 2026-01-21. Review status: criteria provided, single submitter. Criteria: Invitae Variant Classification Sherloc (09022015). Collection method: clinical testing. Allele origin: germline.

Ambry Genetics
Classification: Uncertain significance for Hereditary cancer-predisposing syndrome. Last evaluated: 2024-09-16. Review status: criteria provided, single submitter. Criteria: Ambry Variant Classification Scheme 2023. Collection method: clinical testing. Allele origin: germline.
Comment: The p.E1226A variant (also known as c.3677A>C), located in coding exon 20 of the DICER1 gene, results from an A to C substitution at nucleotide position 3677. The glutamic acid at codon 1226 is replaced by alanine, an amino acid with dissimilar properties. This amino acid position is well conserved in available vertebrate species. In addition, the in silico prediction for this alteration is inconclusive. Since supporting evidence is limited at this time, the clinical significance of this alteration remains unclear.

Baylor Genetics
Classification: Uncertain significance for Global developmental delay - lung cysts - overgrowth - Wilms tumor syndrome. Last evaluated: 2023-09-28. Review status: criteria provided, single submitter. Criteria: ACMG Guidelines, 2015. Collection method: clinical testing. Allele origin: unknown.

GeneDx
Classification: Uncertain significance. Last evaluated: 2023-05-18. Review status: criteria provided, single submitter. Criteria: GeneDx Variant Classification Process June 2021. Collection method: clinical testing. Allele origin: germline. Affected: yes.
Comment: Not observed at significant frequency in large population cohorts (gnomAD); In silico analysis supports that this missense variant does not alter protein structure/function; Has not been previously published as pathogenic or benign to our knowledge